The following is an entry in ClinVar:

NM_003071.4(HLTF):c.1555G>A (p.Ala519Thr)

Gene: HLTF (helicase like transcription factor; minus strand). Cytogenetic location: 3q24.
Variant type: single nucleotide variant.
Coding change: c.1555G>A on transcript NM_003071.4 (MANE Select); coding-DNA position 1555, G replaced by A.
Protein change: p.Ala519Thr; replaces alanine 519 with threonine.
Molecular consequence: missense variant.
Genome position (GRCh38, 1-based): chr3:149,050,294, C>T on the plus strand (G>A on the coding strand, the complement: HLTF is on the minus strand). VCF-style: chr3-149050294-C-T. GRCh37 (hg19) VCF-style: chr3-148768081-C-T.
Other names: c.1552G>A, p.Ala518Thr (NM_001318934.2); c.1555G>A, p.Ala519Thr (NM_001318935.2, NM_139048.3); short protein forms A518T, A519T.
Identifiers: ClinVar variation 2635823 (VCV002635823.2), dbSNP rs372248167, ClinGen allele CA2659161.
Genomic context (GRCh38, chr3:149,050,294, plus strand): 5'-CATAGTCATGAGTTAAAATATTATACGTAGTCAAAACAATATCCTGTTTTGAAAGTAAGG[C>T]CGGTTCTCTAATACGATCAGGACCATAATAAACATAAAAATTCAAGTGTACATCTGATTT-3'
Protein context (NP_003062.2, residues 509-529): YYGPDRIREP[Ala519Thr]LLSKQDIVLT

ClinVar aggregate classification (germline): Uncertain significance (0 of 4 stars; one submission).

Conditions:
HLTF-related disorder. Also called: HLTF-related condition.

Allele frequency attached by ClinVar (database versions not stated): gnomAD 0.00001; ExAC 0.00002; gnomAD exomes 0.00002; TOPMed 0.00003; ESP Exome Variant Server 0.00008.
gnomAD v4.1: 29 of 1,600,420 alleles (0.0018%); highest among the groups gnomAD compares: Admixed American, 0.0033%; no homozygotes.

Submission:

PreventionGenetics, part of Exact Sciences
Classification: Uncertain significance for HLTF-related condition. Last evaluated: 2024-09-09. Review status: no assertion criteria provided. Collection method: clinical testing. Allele origin: germline.
Comment: The HLTF c.1555G>A variant is predicted to result in the amino acid substitution p.Ala519Thr. To our knowledge, this variant has not been reported in the literature. This variant is reported in 0.0062% of alleles in individuals of African descent in gnomAD. At this time, the clinical significance of this variant is uncertain due to the absence of conclusive functional and genetic evidence.